The following is an entry in ClinVar:

ClinVar aggregate classification (germline): Conflicting classifications of pathogenicity. Review status: criteria provided, conflicting classifications (1 of 4 stars). 3 submissions from 3 submitters: Pathogenic (1); Uncertain significance (1). 1 of the submissions does not count toward it. Last evaluated 2025-01-25.

Conditions:
DDX41-related disorders.
DDX41-related hematologic malignancy predisposition syndrome. Also called: DDX41-Associated Familial Myelodysplastic Syndrome and Acute Myeloid Leukemia; Myeloproliferative/lymphoproliferative neoplasms, familial (multiple types), susceptibility to. Identifiers: Orphanet 488647, MedGen C4225174, MONDO:0014809, OMIM 616871.
Inborn genetic diseases. Identifiers: MedGen C0950123, MeSH D030342.

Allele frequency attached by ClinVar (database versions not stated): gnomAD exomes below 0.00001 and 0.00001; TOPMed below 0.00001; gnomAD 0.00001; ExAC 0.00002.
gnomAD v4.1: 3 of 1,614,048 alleles (0.00019%); highest among the groups gnomAD compares: East Asian, 0.0067%; no homozygotes.

Submissions (3):

Ambry Genetics
Classification: Uncertain significance for Inborn genetic diseases. Last evaluated: 2025-01-25. Review status: criteria provided, single submitter. Criteria: Ambry Variant Classification Scheme 2023. Collection method: clinical testing. Allele origin: germline.
Comment: The p.V152G variant (also known as c.455T>G), located in coding exon 6 of the DDX41 gene, results from a T to G substitution at nucleotide position 455. The valine at codon 152 is replaced by glycine, an amino acid with dissimilar properties. This amino acid position is well conserved in available vertebrate species. In addition, this alteration is predicted to be tolerated by in silico analysis. Based on the available evidence, the clinical significance of this variant remains unclear.

Blueprint Genetics
Classification: Pathogenic for DDX41-related disorders. Last evaluated: 2021-03-24. Review status: criteria provided, single submitter. Criteria: ACMG Guidelines, 2015. Collection method: clinical testing. Allele origin: germline. Affected: yes. Observed: 2 variant alleles.

GeneReviews
No classification provided. Condition: DDX41-related hematologic malignancy predisposition syndrome. Review status: no classification provided. Collection method: literature only. Allele origin: germline. Not counted in ClinVar's aggregate classification.
Comment: Common recurrent germline variant in persons of Korean ancestry [Choi et al 2021]

Literature cited by the submitters: PubMed 33626862 (cited by GeneReviews).

NM_016222.4(DDX41):c.455T>G (p.Val152Gly)

Gene: DDX41 (DEAD-box helicase 41; minus strand). Cytogenetic location: 5q35.3.
Variant type: single nucleotide variant.
Coding change: c.455T>G on transcript NM_016222.4 (MANE Select); coding-DNA position 455, T replaced by G.
Protein change: p.Val152Gly; replaces valine 152 with glycine.
Molecular consequence: missense variant.
Genome position (GRCh38, 1-based): chr5:177,515,801, A>C on the plus strand (T>G on the coding strand, the complement: DDX41 is on the minus strand). VCF-style: chr5-177515801-A-C. GRCh37 (hg19) VCF-style: chr5-176942802-A-C.
Other names: c.77T>G, p.Val26Gly (NM_001321732.2, NM_001321830.2); c.455T>G (NM_016222.2); short protein forms V152G, V26G.
Identifiers: ClinVar variation 1312511 (VCV001312511.4), dbSNP rs758775538, ClinGen allele CA3585194.